The following is an entry in ClinVar:

ClinVar aggregate classification (germline): Uncertain significance (1 of 4 stars; one submission).

Conditions:
Brachyolmia-amelogenesis imperfecta syndrome. Also called: Tooth agenesis, selective, 6; Dental anomalies and short stature; PLATYSPONDYLY WITH AMELOGENESIS IMPERFECTA. Identifiers: Orphanet 2899, MedGen C1832594, MONDO:0011018, OMIM 601216. Disease mechanism: loss of function.
Geleophysic dysplasia 3. Identifiers: MedGen C4540511, MONDO:0054722, OMIM 617809.

Submission:

Juno Genomics, Hangzhou Juno Genomics, Inc
Classification: Uncertain significance for Brachyolmia-amelogenesis imperfecta syndrome; Geleophysic dysplasia 3. Review status: criteria provided, single submitter. Criteria: ACMG Guidelines, 2015. Collection method: clinical testing. Allele origin: germline.
Comment: Absent from controls (or at extremely low frequency if recessive) in Genome Aggregation Database.

NM_001130144.3(LTBP3):c.1702G>A (p.Ala568Thr)

Gene: LTBP3 (latent transforming growth factor beta binding protein 3; minus strand). Cytogenetic location: 11q13.1.
Variant type: single nucleotide variant.
Coding change: c.1702G>A on transcript NM_001130144.3 (MANE Select); coding-DNA position 1702, G replaced by A.
Protein change: p.Ala568Thr; replaces alanine 568 with threonine.
Molecular consequence: missense variant.
Genome position (GRCh38, 1-based): chr11:65,551,144, C>T on the plus strand (G>A on the coding strand, the complement: LTBP3 is on the minus strand). VCF-style: chr11-65551144-C-T. GRCh37 (hg19) VCF-style: chr11-65318615-C-T.
Other names: c.1351G>A, p.Ala451Thr (NM_001164266.1); c.1702G>A, p.Ala568Thr (NM_021070.4); short protein forms A568T, A451T.
Identifiers: ClinVar variation 5007901 (VCV005007901.2).